The following is an entry in ClinVar:

ClinVar aggregate classification (germline): Uncertain significance. Review status: criteria provided, multiple submitters, no conflicts (2 of 4 stars). 2 submissions from 2 submitters: Uncertain significance (2). Last evaluated 2026-07-07.

Conditions:
ATP11A-related disorder. Also called: ATP11A-related condition.
Inborn genetic diseases. Identifiers: MedGen C0950123, MeSH D030342.

gnomAD v4.1: 32 of 1,614,120 alleles (0.002%); highest among the groups gnomAD compares: African/African-American, 0.0053%; no homozygotes.

Submissions (2):

PreventionGenetics, part of Exact Sciences
Classification: Uncertain significance for ATP11A-related condition. Last evaluated: 2026-07-07. Review status: criteria provided, single submitter. Criteria: ACMG Guidelines, 2015. Collection method: clinical testing. Allele origin: germline.
Comment: The ATP11A c.2827G>A variant is predicted to result in the amino acid substitution p.Val943Met. To our knowledge, this variant has not been reported in the literature. This variant is reported in 0.0099% of alleles in individuals of Ashkenazi Jewish descent in gnomAD. At this time, the clinical significance of this variant is uncertain due to the absence of conclusive functional and genetic evidence.

Ambry Genetics
Classification: Uncertain significance for Inborn genetic diseases. Last evaluated: 2025-04-10. Review status: criteria provided, single submitter. Criteria: Ambry Variant Classification Scheme 2023. Collection method: clinical testing. Allele origin: germline.

NM_015205.3(ATP11A):c.2827G>A (p.Val943Met)

Gene: ATP11A (ATPase phospholipid transporting 11A; plus strand). Cytogenetic location: 13q34.
Variant type: single nucleotide variant.
Coding change: c.2827G>A on transcript NM_015205.3 (MANE Select); coding-DNA position 2827, G replaced by A.
Protein change: p.Val943Met; replaces valine 943 with methionine.
Molecular consequence: missense variant.
Genome position (GRCh38, 1-based): chr13:112,860,386, G>A. VCF-style: chr13-112860386-G-A. GRCh37 (hg19) VCF-style: chr13-113514700-G-A.
Other names: c.2827G>A, p.Val943Met (NM_001405661.1, NM_001405662.1, NM_001405663.1 and 1 more transcripts); short protein forms V943M.
Identifiers: ClinVar variation 3969176 (VCV003969176.2).